The following is an entry in ClinVar:

ClinVar aggregate classification (germline): Likely pathogenic (1 of 4 stars; one submission).

Submission:

Labcorp Genetics (formerly Invitae), Labcorp
Classification: Likely pathogenic. Last evaluated: 2023-08-28. Review status: criteria provided, single submitter. Criteria: Invitae Variant Classification Sherloc (09022015). Collection method: clinical testing. Allele origin: unknown.
Comment: This variant is a gross deletion of the genomic region encompassing exon(s) 31-74 of the FRAS1 gene, which includes the termination codon. This deletion extends beyond the assayed region for this gene and therefore may encompass additional genes. While this deletion is not anticipated to lead to nonsense mediated decay, it is expected to alter mRNA translation or result in a truncated protein product. This variant has not been reported in the literature in individuals affected with FRAS1-related conditions. This variant disrupts the C-terminus of the FRAS1 protein. Other variant(s) that disrupt this region (p.Arg3849Aspfs*8, p.Asn3967Glufs*2) have been observed in individuals with FRAS1-related conditions (PMID: 18671281, 31923588, 32488952). This suggests that this may be a clinically significant region of the protein. In summary, the currently available evidence indicates that the variant is pathogenic, but additional data are needed to prove that conclusively. Therefore, this variant has been classified as Likely Pathogenic.

Literature cited by the submitters: PubMed 18671281; PubMed 31923588; PubMed 32488952.

NC_000004.11:g.(?_79328797)_(79462278_?)del

Gene: FRAS1 (Fraser extracellular matrix complex subunit 1; plus strand). Cytogenetic location: 4q21.21.
Variant type: Deletion.
Identifiers: ClinVar variation 3246763 (VCV003246763.1).